The following is an entry in ClinVar:

NM_001165963.4(SCN1A):c.4081T>G (p.Phe1361Val)

Genes: SCN1A (sodium voltage-gated channel alpha subunit 1; minus strand), LOC102724058 (uncharacterized LOC102724058; plus strand). Cytogenetic location: 2q24.3.
Variant type: single nucleotide variant.
Coding change: c.4081T>G on transcript NM_001165963.4 (MANE Select); coding-DNA position 4081, T replaced by G.
Protein change: p.Phe1361Val; replaces phenylalanine 1361 with valine.
Molecular consequence: missense variant. On other transcripts: non-coding transcript variant (1).
Genome position (GRCh38, 1-based): chr2:166,002,675, A>C on the plus strand (T>G on the coding strand, the complement: SCN1A is on the minus strand). VCF-style: chr2-166002675-A-C. GRCh37 (hg19) VCF-style: chr2-166859185-A-C.
Other names: c.4048T>G, p.Phe1350Val (NM_001353952.2, NM_006920.6, NM_001353949.2 and 2 more transcripts); c.4045T>G, p.Phe1349Val (NM_001353954.2, NM_001353955.2); c.3997T>G, p.Phe1333Val (NM_001353957.2, NM_001353958.2, NM_001165964.3); c.3994T>G, p.Phe1332Val (NM_001353960.2); c.1639T>G, p.Phe547Val (NM_001353961.2); c.4081T>G, p.Phe1361Val (NM_001202435.3, NM_001353948.2); short protein forms F1349V, F1361V, F1333V, F1350V, F547V, F1332V.
Identifiers: ClinVar variation 2813553 (VCV002813553.3), dbSNP rs2468437118, ClinGen allele CA349050555.
Genomic context (GRCh38, chr2:166,002,675, plus strand): 5'-TTGTGGTGTTAATACAGTGGTAGAATTTGCCAGCAAACAAATTTACGCCCATGATGCTGA[A>C]AATTAGCCAGAATATAAGACAAACCAGAAGCACATTCATGATGGATGGAATTGCTCCTAA-3'
Protein context (NP_001159435.1, residues 1351-1371): LLVCLIFWLI[Phe1361Val]SIMGVNLFAG

ClinVar aggregate classification (germline): Likely pathogenic (1 of 4 stars; one submission).

Conditions:
Early-infantile DEE. Also called: Early infantile epileptic encephalopathy; Early infantile epileptic encephalopathy with suppression bursts; Ohtahara syndrome. Identifiers: Orphanet 1934, MedGen C0393706, MONDO:0800491.

Submission:

Labcorp Genetics (formerly Invitae), Labcorp
Classification: Likely pathogenic for Early-infantile DEE. Last evaluated: 2024-01-05. Review status: criteria provided, single submitter. Criteria: Invitae Variant Classification Sherloc (09022015). Collection method: clinical testing. Allele origin: germline.
Comment: This sequence change replaces phenylalanine, which is neutral and non-polar, with valine, which is neutral and non-polar, at codon 1361 of the SCN1A protein (p.Phe1361Val). This variant is not present in population databases (gnomAD no frequency). This variant has not been reported in the literature in individuals affected with SCN1A-related conditions. Advanced modeling of protein sequence and biophysical properties (such as structural, functional, and spatial information, amino acid conservation, physicochemical variation, residue mobility, and thermodynamic stability) performed at Invitae indicates that this missense variant is expected to disrupt SCN1A protein function with a positive predictive value of 95%. This variant disrupts the p.Phe1361 amino acid residue in SCN1A. Other variant(s) that disrupt this residue have been determined to be pathogenic (PMID: 30619928). This suggests that this residue is clinically significant, and that variants that disrupt this residue are likely to be disease-causing. In summary, the currently available evidence indicates that the variant is pathogenic, but additional data are needed to prove that conclusively. Therefore, this variant has been classified as Likely Pathogenic.

Literature cited by the submitters: PubMed 30619928.